The following is an entry in ClinVar:

ClinVar aggregate classification (germline): Uncertain significance. Review status: criteria provided, multiple submitters, no conflicts (2 of 4 stars). 3 submissions from 3 submitters: Uncertain significance (3). Last evaluated 2026-01-07.

Allele frequency attached by ClinVar (database versions not stated): gnomAD 0.00003; gnomAD exomes 0.00003 and 0.00008; TOPMed 0.00004; ExAC 0.00010.
gnomAD v4.1: 49 of 1,612,458 alleles (0.003%); highest among the groups gnomAD compares: Admixed American, 0.027%; no homozygotes.

Submissions (3):

Labcorp Genetics (formerly Invitae), Labcorp
Classification: Uncertain significance. Last evaluated: 2026-01-07. Review status: criteria provided, single submitter. Criteria: Invitae Variant Classification Sherloc (09022015). Collection method: clinical testing. Allele origin: germline.
Comment: This sequence change replaces arginine, which is basic and polar, with tryptophan, which is neutral and slightly polar, at codon 600 of the MYLK3 protein (p.Arg600Trp). This variant is present in population databases (rs202097167, gnomAD 0.03%). This variant has not been reported in the literature in individuals affected with MYLK3-related conditions. ClinVar contains an entry for this variant (Variation ID: 1437769). An algorithm developed to predict the effect of missense changes on protein structure and function (PolyPhen-2) suggests that this variant is likely to be disruptive. In summary, the available evidence is currently insufficient to determine the role of this variant in disease. Therefore, it has been classified as a Variant of Uncertain Significance.

Mayo Clinic Laboratories, Mayo Clinic
Classification: Uncertain significance. Last evaluated: 2025-02-22. Review status: criteria provided, single submitter. Criteria: ACMG Guidelines, 2015. Collection method: clinical testing. Allele origin: germline. Observed: 1 variant allele.

Ambry Genetics
Classification: Uncertain significance. Last evaluated: 2023-10-17. Review status: criteria provided, single submitter. Criteria: Ambry Variant Classification Scheme 2023. Collection method: clinical testing. Allele origin: germline.

NM_182493.3(MYLK3):c.1798C>T (p.Arg600Trp)

Gene: MYLK3 (myosin light chain kinase 3; minus strand). Cytogenetic location: 16q11.2.
Variant type: single nucleotide variant.
Coding change: c.1798C>T on transcript NM_182493.3 (MANE Select); coding-DNA position 1798, C replaced by T.
Protein change: p.Arg600Trp; replaces arginine 600 with tryptophan.
Molecular consequence: missense variant.
Genome position (GRCh38, 1-based): chr16:46,727,352, G>A on the plus strand (C>T on the coding strand, the complement: MYLK3 is on the minus strand). VCF-style: chr16-46727352-G-A. GRCh37 (hg19) VCF-style: chr16-46761264-G-A.
Other names: p.Arg600Trp; c.775C>T, p.Arg259Trp (NM_001308301.1); c.1798C>T (NM_182493.2); short protein forms R259W, R600W.
Identifiers: ClinVar variation 1437769 (VCV001437769.8), dbSNP rs202097167, ClinGen allele CA8037841.
Genomic context (GRCh38, chr16:46,727,352, plus strand): 5'-TCTGCCTGGTGAACAGGACCACATCCAGCTCAGTCAGGTGGTACTTCTCATCTGTGATCC[G>A]GTCGAAGAGCTCACCCCCGTCCACGCTGCCAGAGCAAAGGGAGAGGCAGGCACCAGCCTA-3'
Protein context (NP_872299.2, residues 590-610): EYVDGGELFD[Arg600Trp]ITDEKYHLTE